The following is an entry in ClinVar:

ClinVar aggregate classification (germline): Uncertain significance. Review status: criteria provided, multiple submitters, no conflicts (2 of 4 stars). 3 submissions from 3 submitters: Uncertain significance (2). 1 of the submissions does not count toward it. Last evaluated 2024-05-01.

Conditions:
Leigh syndrome (NULS). Also called: Leigh Syndrome (mtDNA deletion); Leigh's necrotizing encephalopathy; Leigh's disease; Leigh's syndrome; Subacute necrotizing encephalopathy; Necrotizing encephalopathy infantile subacute of Leigh. Identifiers: Orphanet 506, MedGen C2931891, MONDO:0009723, OMIM 256000.

Allele frequency attached by ClinVar (database versions not stated): ExAC below 0.00001; gnomAD 0.00001; TOPMed 0.00002; gnomAD exomes 0.00004 and 0.00005.
gnomAD v4.1: 55 of 1,482,816 alleles (0.0037%); highest among the groups gnomAD compares: Non-Finnish European, 0.0042%; no homozygotes.

Submissions (3):

GeneDx
Classification: Uncertain significance. Last evaluated: 2024-05-01. Review status: criteria provided, single submitter. Criteria: GeneDx Variant Classification Process June 2021. Collection method: clinical testing. Allele origin: germline. Affected: yes.
Comment: Not observed at significant frequency in large population cohorts (gnomAD); In silico analysis indicates that this missense variant does not alter protein structure/function; Has not been previously published as pathogenic or benign to our knowledge

Baylor Genetics
Classification: Uncertain significance for Leigh syndrome. Last evaluated: 2018-01-24. Review status: criteria provided, single submitter. Criteria: ACMG Guidelines, 2015. Collection method: clinical testing. Allele origin: maternal. Affected: yes.
Comment: This variant was determined to be of uncertain significance according to ACMG Guidelines, 2015 [PMID:25741868].

Mayo Clinic Laboratories, Mayo Clinic
Classification: Uncertain significance. Last evaluated: 2016-03-11. Review status: no assertion criteria provided. Collection method: clinical testing. Allele origin: unknown. Not counted in ClinVar's aggregate classification.

NM_152416.4(NDUFAF6):c.116C>T (p.Pro39Leu)

Genes: NDUFAF6 (NADH:ubiquinone oxidoreductase complex assembly factor 6; plus strand), LOC113788297 (Sharpr-MPRA regulatory region 2014; plus strand). Cytogenetic location: 8q22.1.
Variant type: single nucleotide variant.
Coding change: c.116C>T on transcript NM_152416.4 (MANE Select); coding-DNA position 116, C replaced by T.
Protein change: p.Pro39Leu; replaces proline 39 with leucine.
Molecular consequence: missense variant. On other transcripts: 5 prime UTR variant (12), non-coding transcript variant (6), intron variant (7).
Genome position (GRCh38, 1-based): chr8:95,025,124, C>T. VCF-style: chr8-95025124-C-T. GRCh37 (hg19) VCF-style: chr8-96037352-C-T.
Other names: c.-165C>T (NM_001330582.2, NM_001354521.2); c.-118C>T (NM_001354517.2); c.-337C>T (NM_001354518.2); c.-333C>T (NM_001354519.2); c.-682C>T (NM_001354527.2); c.-653C>T (NM_001354528.2); c.-465C>T (NM_001354529.2); c.-567C>T (NM_001354530.2); and 9 more; short protein forms P39L.
Identifiers: ClinVar variation 559316 (VCV000559316.7), dbSNP rs753206462, ClinGen allele CA4814680.